The following is an entry in ClinVar:

NM_015214.3(DDHD2):c.1057+5C>G

Gene: DDHD2 (DDHD domain containing 2; plus strand). Cytogenetic location: 8p11.23.
Variant type: single nucleotide variant.
Coding change: c.1057+5C>G on transcript NM_015214.3 (MANE Select); 5 bases into the intron after coding-DNA position 1057, C replaced by G.
Molecular consequence: intron variant.
Genome position (GRCh38, 1-based): chr8:38,245,955, C>G. VCF-style: chr8-38245955-C-G. GRCh37 (hg19) VCF-style: chr8-38103473-C-G.
Other names: c.1057+5C>G (NM_001362914.2, NM_001362912.2, NM_001362911.2 and 2 more transcripts); c.967+5C>G (NM_001362913.2).
Identifiers: ClinVar variation 101083 (VCV000101083.3), dbSNP rs886037659, ClinGen allele CA10575627.
Genomic context (GRCh38, chr8:38,245,955, plus strand): 5'-TCTACAGAGGAACCCTGATTTCAAAGGGGGTGTATCCATTGCTGGTCATAGTTTAGGTAA[C>G]AAAATGAGTTCTGTGTGACCAGAGAAGACTATCACATTTTAAAGACACCTGTTTTTGAAG-3'

ClinVar aggregate classification (germline): Conflicting classifications of pathogenicity. Review status: criteria provided, conflicting classifications (1 of 4 stars). 3 submissions from 3 submitters: Pathogenic (1); Uncertain significance (1). 1 of the submissions does not count toward it. Last evaluated 2025-09-10.

Conditions:
Hereditary spastic paraplegia 54. Also called: Spastic paraplegia 54, autosomal recessive. Identifiers: Orphanet 320380, MedGen C3539495, MONDO:0014018, OMIM 615033.
Senior-Loken syndrome 6 (SLSN6). Identifiers: Orphanet 3156, MedGen C1857779, MONDO:0012433, OMIM 610189.

Submissions (3):

Genomic Medicine Center of Excellence, King Faisal Specialist Hospital and Research Centre
Classification: Pathogenic for Senior-Loken syndrome 6. Last evaluated: 2025-09-10. Review status: criteria provided, single submitter. Criteria: ACMG Guidelines, 2015. Collection method: clinical testing. Allele origin: germline.

3billion
Classification: Uncertain significance for Hereditary spastic paraplegia 54. Last evaluated: 2025-07-21. Review status: criteria provided, single submitter. Criteria: ACMG Guidelines, 2015. Collection method: clinical testing. Allele origin: germline. Affected: yes.
Comment: The variant is not observed in the gnomAD v4.1.0 dataset. Predicted Consequence/Location: Intron variant In silico tools predict the variant to be in an intermediate range for spliceogenicity, and its potential impact on splicing is uncertain [SpliceAI: 0.10 (spliceogenicity >=0.2, non-spliceogenicity <0.1)]. The variant has been reported to be associated with DDHD2-related disorder (ClinVar ID: VCV000101083 /PMID: 24482476). However, the evidence of pathogenicity is insufficient at this time. Therefore, this variant is classified as VUS according to the recommendation of ACMG/AMP guideline.

OMIM
Classification: Pathogenic for SPASTIC PARAPLEGIA 54, AUTOSOMAL RECESSIVE. Last evaluated: 2014-01-31. Review status: no assertion criteria provided. Collection method: literature only. Allele origin: germline. Not counted in ClinVar's aggregate classification.

Literature cited by the submitters: PubMed 24482476 (cited by 3billion and OMIM).